The following is an entry in ClinVar:

NM_006892.4(DNMT3B):c.84C>T (p.Ser28=)

Gene: DNMT3B (DNA methyltransferase 3 beta; plus strand). Cytogenetic location: 20q11.21.
Variant type: single nucleotide variant.
Coding change: c.84C>T on transcript NM_006892.4 (MANE Select); coding-DNA position 84, C replaced by T.
Protein change: p.Ser28=; no amino-acid change (serine 28 retained).
Molecular consequence: synonymous variant.
Genome position (GRCh38, 1-based): chr20:32,780,407, C>T. VCF-style: chr20-32780407-C-T. GRCh37 (hg19) VCF-style: chr20-31368213-C-T.
Other names: c.84C>T, p.Ser28= (NM_001207055.2, NM_001207056.2, NM_175848.2 and 1 more transcripts); c.120C>T, p.Ser40= (NM_175850.3); c.84C>T (NM_006892.3).
Identifiers: ClinVar variation 1584020 (VCV001584020.9), dbSNP rs1371940235, ClinGen allele CA510215488.
Genomic context (GRCh38, chr20:32,780,407, plus strand): 5'-CAATGGAGAGGAGGACGCCGGCGGGAGGGAAGACTCGATCCTCGTCAACGGGGCCTGCAG[C>T]GACCAGTCCTCCGACTCGCCCCCAATCCTGGAGGCTATCCGCACCCCGGAGATCAGAGGT-3'
Protein context (NP_008823.1, residues 18-38): EDSILVNGAC[Ser28=]DQSSDSPPIL

ClinVar aggregate classification (germline): Likely benign. Review status: criteria provided, multiple submitters, no conflicts (2 of 4 stars). 2 submissions from 2 submitters: Likely benign (2). Last evaluated 2026-08-19.

Conditions:
Centromeric instability of chromosomes 1,9 and 16 and immunodeficiency (ICF1). Also called: CENTROMERIC INSTABILITY, IMMUNODEFICIENCY SYNDROME; Immunodeficiency-centromeric instability-facial anomalies; IMMUNE DEFICIENCY, VARIABLE, WITH CENTROMERIC INSTABILITY OF CHROMOSOMES 1, 9, AND 16; IMMUNODEFICIENCY SYNDROME, VARIABLE. Identifiers: Orphanet 2268, MedGen C0398788, MONDO:0000133.
DNMT3B-related disorder. Also called: DNMT3B-related condition.

Allele frequency attached by ClinVar (database versions not stated): gnomAD 0.00001; TOPMed 0.00001.
gnomAD v4.1: 6 of 1,613,784 alleles (0.00037%); highest among the groups gnomAD compares: African/African-American, 0.0027%; no homozygotes.

Submissions (2):

PreventionGenetics, part of Exact Sciences
Classification: Likely benign for DNMT3B-related condition. Last evaluated: 2026-08-19. Review status: criteria provided, single submitter. Criteria: ACMG Guidelines, 2015. Collection method: clinical testing. Allele origin: germline.
Comment: This variant is classified as likely benign based on ACMG/AMP sequence variant interpretation guidelines (Richards et al. 2015 PMID: 25741868, with internal and published modifications).

Labcorp Genetics (formerly Invitae), Labcorp
Classification: Likely benign for Centromeric instability of chromosomes 1,9 and 16 and immunodeficiency. Last evaluated: 2024-05-29. Review status: criteria provided, single submitter. Criteria: Invitae Variant Classification Sherloc (09022015). Collection method: clinical testing. Allele origin: germline.